The following is an entry in ClinVar:

NM_013352.4(DSE):c.863C>T (p.Pro288Leu)

Gene: DSE (dermatan sulfate epimerase; plus strand). Cytogenetic location: 6q22.1.
Variant type: single nucleotide variant.
Coding change: c.863C>T on transcript NM_013352.4 (MANE Select); coding-DNA position 863, C replaced by T.
Protein change: p.Pro288Leu; replaces proline 288 with leucine.
Molecular consequence: missense variant. On other transcripts: non-coding transcript variant (1), intron variant (3).
Genome position (GRCh38, 1-based): chr6:116,431,146, C>T. VCF-style: chr6-116431146-C-T. GRCh37 (hg19) VCF-style: chr6-116752309-C-T.
Other names: c.863C>T, p.Pro288Leu (NM_001080976.3, NM_001322937.2, NM_001322938.2 and 2 more transcripts); c.920C>T, p.Pro307Leu (NM_001322939.2); c.302C>T, p.Pro101Leu (NM_001322940.2, NM_001322941.2); c.-90+89C>T (NM_001374520.1); c.83+4319C>T (NM_001374521.1); c.670+4319C>T (NM_001322943.2); short protein forms P101L, P307L, P288L.
Identifiers: ClinVar variation 2194726 (VCV002194726.3), dbSNP rs772275865, ClinGen allele CA3969582.

ClinVar aggregate classification (germline): Uncertain significance (1 of 4 stars; one submission).

Conditions:
Ehlers-Danlos syndrome, musculocontractural type 2 (EDSMC2). Identifiers: Orphanet 2953, MedGen C3809845, MONDO:0014236, OMIM 615539.

Allele frequency attached by ClinVar (database versions not stated): ExAC 0.00002.
gnomAD v4.1: 17 of 1,614,106 alleles (0.0011%); highest among the groups gnomAD compares: South Asian, 0.011%; no homozygotes.

Submission:

Labcorp Genetics (formerly Invitae), Labcorp
Classification: Uncertain significance for Ehlers-Danlos syndrome, musculocontractural type 2. Last evaluated: 2022-05-04. Review status: criteria provided, single submitter. Criteria: Invitae Variant Classification Sherloc (09022015). Collection method: clinical testing. Allele origin: germline.
Comment: In summary, the available evidence is currently insufficient to determine the role of this variant in disease. Therefore, it has been classified as a Variant of Uncertain Significance. Algorithms developed to predict the effect of missense changes on protein structure and function are either unavailable or do not agree on the potential impact of this missense change (SIFT: "Not Available"; PolyPhen-2: "Possibly Damaging"; Align-GVGD: "Not Available"). This variant has not been reported in the literature in individuals affected with DSE-related conditions. This variant is present in population databases (rs772275865, gnomAD 0.01%). This sequence change replaces proline, which is neutral and non-polar, with leucine, which is neutral and non-polar, at codon 288 of the DSE protein (p.Pro288Leu).